The following is an entry in ClinVar:

NM_000179.3(MSH6):c.2303_2305del (p.Pro768_Phe769delinsLeu)

Gene: MSH6 (mutS homolog 6; plus strand). Cytogenetic location: 2p16.3.
Variant type: Deletion.
Coding change: c.2303_2305del on transcript NM_000179.3 (MANE Select); coding-DNA positions 2303 to 2305, 3 bases deleted (CTT; older notation c.2303_2305delCTT).
Protein change: p.Pro768_Phe769delinsLeu.
Molecular consequence: inframe indel.
Genome position (GRCh38, 1-based): chr2:47,800,286-47,800,288, CTT deleted. VCF-style (leftmost placement, unchanged base first): chr2-47800285-CCTT-C. GRCh37 (hg19) VCF-style: chr2-48027424-CCTT-C.
Other names: c.1913_1915del, p.Pro638_Phe639delinsLeu (NM_001281492.2); c.1397_1399del, p.Pro466_Phe467delinsLeu (NM_001281493.2, NM_001281494.2); c.2399_2401delCTT, p.Pro800_Phe801delinsLeu (NM_001406795.1, NM_001406802.1); c.2303_2305delCTT, p.Pro768_Phe769delinsLeu (NM_001406796.1, NM_001406798.1, NM_001406800.1 and 3 more transcripts); c.2006_2008delCTT, p.Pro669_Phe670delinsLeu (NM_001406797.1, NM_001406801.1, NM_001406805.1 and 10 more transcripts); c.1778_1780delCTT, p.Pro593_Phe594delinsLeu (NM_001406799.1, NM_001406806.1, NM_001406807.1); c.2225_2227delCTT, p.Pro742_Phe743delinsLeu (NM_001406804.1); c.1397_1399delCTT, p.Pro466_Phe467delinsLeu (NM_001406811.1, NM_001406812.1, NM_001406814.1 and 4 more transcripts); and 2 more.
Identifiers: ClinVar variation 2118668 (VCV002118668.4), dbSNP rs2530663793, ClinGen allele CA2580067819.
Genomic context (GRCh38, chr2:47,800,285, plus strand): 5'-AATGGAACAAATGGTTCTACTGAAGGAACCCTACTAGAGAGGGTTGATACTTGCCATACT[CCTT>C]TTGGTAAGCGGCTCCTAAAGCAATGGCTTTGTGCCCCACTCTGTAACCATTATGCTATTA-3'

ClinVar aggregate classification (germline): Uncertain significance (1 of 4 stars; one submission).

Conditions:
Hereditary nonpolyposis colorectal neoplasms. Identifiers: MedGen C0009405, MeSH D003123.

Submission:

Labcorp Genetics (formerly Invitae), Labcorp
Classification: Uncertain significance for Hereditary nonpolyposis colorectal neoplasms. Last evaluated: 2024-06-19. Review status: criteria provided, single submitter. Criteria: Invitae Variant Classification Sherloc (09022015). Collection method: clinical testing. Allele origin: germline.
Comment: This variant, c.2303_2305del, is a complex sequence change that results in the deletion of 2 and insertion of 1 amino acid(s) in the MSH6 protein (p.Pro768_Phe769delinsLeu). This variant is not present in population databases (gnomAD no frequency). This variant has not been reported in the literature in individuals affected with MSH6-related conditions. ClinVar contains an entry for this variant (Variation ID: 2118668). Experimental studies and prediction algorithms are not available or were not evaluated, and the functional significance of this variant is currently unknown. In summary, the available evidence is currently insufficient to determine the role of this variant in disease. Therefore, it has been classified as a Variant of Uncertain Significance.